The following is an entry in ClinVar:

ClinVar aggregate classification (germline): Uncertain significance. Review status: criteria provided, multiple submitters, no conflicts (2 of 4 stars). 2 submissions from 2 submitters: Uncertain significance (2). Last evaluated 2025-02-01.

Conditions:
Autoinflammatory syndrome. Identifiers: Orphanet 93665, MedGen C3890737, MONDO:0019751.

Submissions (2):

CeGaT Center for Human Genetics Tuebingen
Classification: Uncertain significance. Last evaluated: 2025-02-01. Review status: criteria provided, single submitter. Criteria: CeGaT Center For Human Genetics Tuebingen Variant Classification Criteria Version 2. Collection method: clinical testing. Allele origin: germline. Affected: yes. Observed: 1 variant allele.
Comment: NOD2: PM2

Genome Diagnostics Laboratory, The Hospital for Sick Children
Classification: Uncertain significance for Autoinflammatory syndrome. Last evaluated: 2016-12-12. Review status: criteria provided, single submitter. Criteria: ACMG Guidelines, 2015. Collection method: clinical testing. Allele origin: germline. Affected: yes.

NM_001370466.1(NOD2):c.649G>A (p.Glu217Lys)

Gene: NOD2 (nucleotide binding oligomerization domain containing 2; plus strand). Cytogenetic location: 16q12.1.
Variant type: single nucleotide variant.
Coding change: c.649G>A on transcript NM_001370466.1 (MANE Select); coding-DNA position 649, G replaced by A.
Protein change: p.Glu217Lys; replaces glutamic acid 217 with lysine.
Molecular consequence: missense variant. On other transcripts: non-coding transcript variant (1).
Genome position (GRCh38, 1-based): chr16:50,710,641, G>A. VCF-style: chr16-50710641-G-A. GRCh37 (hg19) VCF-style: chr16-50744552-G-A.
Other names: c.649G>A, p.Glu217Lys (NM_001293557.2); c.730G>A, p.Glu244Lys (NM_022162.3); short protein forms E217K, E244K.
Identifiers: ClinVar variation 1694117 (VCV001694117.16), dbSNP rs1964420065, ClinGen allele CA395867443.